The following is an entry in ClinVar:

ClinVar aggregate classification (germline): Uncertain significance (1 of 4 stars; one submission).

Submission:

GeneDx
Classification: Uncertain significance. Last evaluated: 2024-02-29. Review status: criteria provided, single submitter. Criteria: GeneDx Variant Classification Process June 2021. Collection method: clinical testing. Allele origin: germline. Affected: yes.
Comment: In silico analysis supports that this missense variant has a deleterious effect on protein structure/function; Not observed at significant frequency in large population cohorts (gnomAD); Has not been previously published as pathogenic or benign to our knowledge

NM_005639.3(SYT1):c.1091A>C (p.Asp364Ala)

Gene: SYT1 (synaptotagmin 1; plus strand). Cytogenetic location: 12q21.2.
Variant type: single nucleotide variant.
Coding change: c.1091A>C on transcript NM_005639.3 (MANE Select); coding-DNA position 1091, A replaced by C.
Protein change: p.Asp364Ala; replaces aspartic acid 364 with alanine.
Molecular consequence: missense variant.
Genome position (GRCh38, 1-based): chr12:79,448,946, A>C. VCF-style: chr12-79448946-A-C. GRCh37 (hg19) VCF-style: chr12-79842726-A-C.
Other names: c.1091A>C, p.Asp364Ala (NM_001135805.2, NM_001135806.2, NM_001415938.1 and 2 more transcripts); c.1082A>C, p.Asp361Ala (NM_001291901.2, NM_001415941.1, NM_001415942.1 and 1 more transcripts); short protein forms D361A, D364A.
Identifiers: ClinVar variation 3373082 (VCV003373082.1).
Genomic context (GRCh38, chr12:79,448,946, plus strand): 5'-ATGATTCATATTCATTTCATGGCTTCTTTCAGAAAGTGCAGGTGGTGGTAACTGTTTTGG[A>C]CTATGACAAGATTGGCAAGAACGATGCCATCGGCAAAGTCTTTGTGGGCTACAACAGCAC-3'
Protein context (NP_005630.1, residues 354-374): QKVQVVVTVL[Asp364Ala]YDKIGKNDAI